The following is an entry in ClinVar:

ClinVar aggregate classification (germline): Conflicting classifications of pathogenicity. Review status: criteria provided, conflicting classifications (1 of 4 stars). 4 submissions from 4 submitters: Uncertain significance (1); Likely benign (2). 1 of the submissions does not count toward it. Last evaluated 2025-01-06.

Conditions:
WDPCP-related disorder. Also called: WDPCP-related condition.
Bardet-Biedl syndrome 15 (BBS15). Identifiers: Orphanet 110, MedGen C3150127, MONDO:0014443, OMIM 615992.
Heart defect - tongue hamartoma - polysyndactyly syndrome. Also called: Congenital heart defects, hamartomas of tongue, and polysyndactyly. Identifiers: Orphanet 1338, MedGen C1857587, MONDO:0009008, OMIM 217085.
Inborn genetic diseases. Identifiers: MedGen C0950123, MeSH D030342.
Bardet-Biedl syndrome (BBS). Identifiers: Orphanet 110, MedGen C0752166, MONDO:0015229.

Allele frequency attached by ClinVar (database versions not stated): gnomAD exomes 0.00003 and 0.00008; ExAC 0.00004; TOPMed 0.00015; gnomAD 0.00018 and 0.00020.
gnomAD v4.1: 72 of 1,613,540 alleles (0.0045%); highest among the groups gnomAD compares: African/African-American, 0.032%; no homozygotes.

Submissions (4):

Labcorp Genetics (formerly Invitae), Labcorp
Classification: Uncertain significance for Bardet-Biedl syndrome. Last evaluated: 2025-01-06. Review status: criteria provided, single submitter. Criteria: Invitae Variant Classification Sherloc (09022015). Collection method: clinical testing. Allele origin: germline.
Comment: This sequence change replaces valine, which is neutral and non-polar, with isoleucine, which is neutral and non-polar, at codon 597 of the WDPCP protein (p.Val597Ile). This variant is present in population databases (rs776917693, gnomAD 0.03%), including at least one homozygous and/or hemizygous individual. This variant has not been reported in the literature in individuals affected with WDPCP-related conditions. ClinVar contains an entry for this variant (Variation ID: 847806). Invitae Evidence Modeling of protein sequence and biophysical properties (such as structural, functional, and spatial information, amino acid conservation, physicochemical variation, residue mobility, and thermodynamic stability) indicates that this missense variant is not expected to disrupt WDPCP protein function with a negative predictive value of 80%. In summary, the available evidence is currently insufficient to determine the role of this variant in disease. Therefore, it has been classified as a Variant of Uncertain Significance.

Fulgent Genetics
Classification: Likely benign for Heart defect - tongue hamartoma - polysyndactyly syndrome; Bardet-Biedl syndrome 15. Last evaluated: 2024-03-25. Review status: criteria provided, single submitter. Criteria: ACMG Guidelines, 2015. Collection method: clinical testing. Allele origin: germline.

Ambry Genetics
Classification: Likely benign for Inborn genetic diseases. Last evaluated: 2022-01-31. Review status: criteria provided, single submitter. Criteria: Ambry Variant Classification Scheme 2023. Collection method: clinical testing. Allele origin: germline.

PreventionGenetics, part of Exact Sciences
Classification: Likely benign for WDPCP-related condition. Last evaluated: 2020-10-05. Review status: no assertion criteria provided. Collection method: clinical testing. Allele origin: germline. Not counted in ClinVar's aggregate classification.
Comment: This variant is classified as likely benign based on ACMG/AMP sequence variant interpretation guidelines (Richards et al. 2015 PMID: 25741868, with internal and published modifications).

NM_015910.7(WDPCP):c.1789G>A (p.Val597Ile)

Gene: WDPCP (WD repeat containing planar cell polarity effector; minus strand). Cytogenetic location: 2p15.
Variant type: single nucleotide variant.
Coding change: c.1789G>A on transcript NM_015910.7 (MANE Select); coding-DNA position 1789, G replaced by A.
Protein change: p.Val597Ile; replaces valine 597 with isoleucine.
Molecular consequence: missense variant. On other transcripts: non-coding transcript variant (3).
Genome position (GRCh38, 1-based): chr2:63,313,271, C>T on the plus strand (G>A on the coding strand, the complement: WDPCP is on the minus strand). VCF-style: chr2-63313271-C-T. GRCh37 (hg19) VCF-style: chr2-63540406-C-T.
Other names: c.1312G>A, p.Val438Ile (NM_001042692.3); c.1717G>A, p.Val573Ile (NM_001354044.2); short protein forms V573I, V438I, V597I.
Identifiers: ClinVar variation 847806 (VCV000847806.10), dbSNP rs776917693, ClinGen allele CA1682113.
Genomic context (GRCh38, chr2:63,313,271, plus strand): 5'-AACTGAAGGCACAAAATCATCTCTGAAAATGACTCACCATAAAGAGGTCACGAGCACCAA[C>T]GTCAACAGCTAGGAGAAATGCCTTTTCAAACCTCTGGTACCTACAAGGCAGAAAAAAATA-3'
Protein context (NP_056994.3, residues 587-607): FEKAFLLAVD[Val597Ile]GARDLFMDIH